The following is an entry in ClinVar:

ClinVar aggregate classification (germline): Uncertain significance (1 of 4 stars; one submission).

Conditions:
MHC class II deficiency. Also called: Bare lymphocyte syndrome 2; BLS, TYPE II. Identifiers: Orphanet 572, MedGen C5447452, MONDO:0008855.

Allele frequency attached by ClinVar (database versions not stated): gnomAD 0.00001; gnomAD exomes 0.00001 and 0.00003; ExAC 0.00005.

Submission:

Labcorp Genetics (formerly Invitae), Labcorp
Classification: Uncertain significance for MHC class II deficiency. Last evaluated: 2023-08-10. Review status: criteria provided, single submitter. Criteria: Invitae Variant Classification Sherloc (09022015). Collection method: clinical testing. Allele origin: germline.
Comment: In summary, the available evidence is currently insufficient to determine the role of this variant in disease. Therefore, it has been classified as a Variant of Uncertain Significance. Variants that disrupt the consensus splice site are a relatively common cause of aberrant splicing (PMID: 17576681, 9536098). Algorithms developed to predict the effect of sequence changes on RNA splicing suggest that this variant is not likely to affect RNA splicing. ClinVar contains an entry for this variant (Variation ID: 1365353). This variant has not been reported in the literature in individuals affected with RFXANK-related conditions. This variant is present in population databases (rs781550325, gnomAD 0.006%). This sequence change falls in intron 4 of the RFXANK gene. It does not directly change the encoded amino acid sequence of the RFXANK protein. It affects a nucleotide within the consensus splice site.

Literature cited by the submitters: PubMed 17576681; PubMed 9536098.

NM_003721.4(RFXANK):c.272-3C>T

Gene: RFXANK (regulatory factor X associated ankyrin containing protein; plus strand). Cytogenetic location: 19p13.11.
Variant type: single nucleotide variant.
Coding change: c.272-3C>T on transcript NM_003721.4 (MANE Select); 3 bases into the intron before coding-DNA position 272, C replaced by T.
Molecular consequence: intron variant.
Genome position (GRCh38, 1-based): chr19:19,197,183, C>T. VCF-style: chr19-19197183-C-T. GRCh37 (hg19) VCF-style: chr19-19307992-C-T.
Other names: c.271+137C>T (NM_001278727.2, NM_001370234.1); c.268+137C>T (NM_134440.3, NM_001278728.2); c.269-3C>T (NM_001370235.1, NM_001370237.1, NM_001370236.1); c.272-3C>T (NM_001370238.1, NM_001370233.1).
Identifiers: ClinVar variation 1365353 (VCV001365353.6), dbSNP rs781550325, ClinGen allele CA9322669.
Genomic context (GRCh38, chr19:19,197,183, plus strand): 5'-GGGTAAACTGAGGCACAGAGAAGCAAGGGGATGAGTGAGGACTCTGCCTCTGTCCTGCCC[C>T]AGCCCTGTCCATCCACCAGCTCGCAGCACAGGGGGAGCTGGACCAGCTGAAGGAGCATTT-3'